The following is an entry in ClinVar:

ClinVar aggregate classification (germline): Benign/Likely benign. Review status: criteria provided, multiple submitters, no conflicts (2 of 4 stars). 8 submissions from 8 submitters: Benign (2); Likely benign (6). Last evaluated 2026-01-19.

Conditions:
Hereditary cancer-predisposing syndrome. Also called: Tumor predisposition; Hereditary Cancer Syndrome; Hereditary neoplastic syndrome; Neoplastic Syndromes, Hereditary. Identifiers: Orphanet 140162, MedGen C0027672, MeSH D009386, MONDO:0015356.
Hereditary diffuse gastric adenocarcinoma (HDGC). Also called: DIFFUSE GASTRIC AND LOBULAR BREAST CANCER SYNDROME. Identifiers: Orphanet 26106, MedGen C1708349, MONDO:0007648, OMIM 137215.

Allele frequency attached by ClinVar (database versions not stated): gnomAD exomes 0.00002 and 0.00005; ExAC 0.00005; gnomAD 0.00005 and 0.00006; TOPMed 0.00007; ESP Exome Variant Server 0.00008.
gnomAD v4.1: 45 of 1,614,062 alleles (0.0028%); highest among the groups gnomAD compares: African/African-American, 0.011%; no homozygotes.

Submissions (8):

Labcorp Genetics (formerly Invitae), Labcorp
Classification: Likely benign for Hereditary diffuse gastric adenocarcinoma. Last evaluated: 2026-01-19. Review status: criteria provided, single submitter. Criteria: Invitae Variant Classification Sherloc (09022015). Collection method: clinical testing. Allele origin: germline.

Center for Genomic Medicine, Rigshospitalet, Copenhagen University Hospital
Classification: Likely benign. Last evaluated: 2025-03-04. Review status: criteria provided, single submitter. Criteria: ACMG Guidelines, 2015. Collection method: clinical testing. Allele origin: germline.

Myriad Genetics, Inc.
Classification: Benign for Hereditary diffuse gastric adenocarcinoma. Last evaluated: 2024-09-18. Review status: criteria provided, single submitter. Criteria: Myriad Autosomal Dominant, Autosomal Recessive and X-Linked Classification Criteria (2023). Collection method: clinical testing. Allele origin: unknown.
Comment: This variant is considered benign. This variant is a silent/synonymous amino acid change and it is not expected to impact splicing.

Quest Diagnostics Nichols Institute San Juan Capistrano
Classification: Benign. Last evaluated: 2022-09-23. Review status: criteria provided, single submitter. Criteria: Quest Diagnostics criteria. Collection method: clinical testing. Allele origin: unknown.

GeneDx
Classification: Likely benign. Last evaluated: 2019-02-20. Review status: criteria provided, single submitter. Criteria: GeneDx Variant Classification Process June 2021. Collection method: clinical testing. Allele origin: germline. Affected: yes.
Comment: This variant is associated with the following publications: (PMID: 25344691)

PreventionGenetics, part of Exact Sciences
Classification: Likely benign. Last evaluated: 2017-07-31. Review status: criteria provided, single submitter. Criteria: ACMG Guidelines, 2015. Collection method: clinical testing. Allele origin: germline.

Ambry Genetics
Classification: Likely benign for Hereditary cancer-predisposing syndrome. Last evaluated: 2015-11-20. Review status: criteria provided, single submitter. Criteria: Ambry Variant Classification Scheme 2023. Collection method: clinical testing. Allele origin: germline.

Color Diagnostics, LLC DBA Color Health
Classification: Likely benign for Hereditary cancer-predisposing syndrome. Last evaluated: 2015-09-22. Review status: criteria provided, single submitter. Criteria: ACMG Guidelines, 2015. Collection method: clinical testing. Allele origin: germline.

NM_004360.5(CDH1):c.1422C>T (p.Thr474=)

Gene: CDH1 (cadherin 1; plus strand). Cytogenetic location: 16q22.1.
Variant type: single nucleotide variant.
Coding change: c.1422C>T on transcript NM_004360.5 (MANE Select); coding-DNA position 1422, C replaced by T.
Protein change: p.Thr474=; no amino-acid change (threonine 474 retained).
Molecular consequence: synonymous variant. On other transcripts: 5 prime UTR variant (2).
Genome position (GRCh38, 1-based): chr16:68,815,616, C>T. VCF-style: chr16-68815616-C-T. GRCh37 (hg19) VCF-style: chr16-68849519-C-T.
Other names: c.1422C>T (LRG_301t1); c.1239C>T, p.Thr413= (NM_001317184.2); c.-127C>T (NM_001317185.2); c.-398C>T (NM_001317186.2).
Identifiers: ClinVar variation 183812 (VCV000183812.25), dbSNP rs375843744, ClinGen allele CA186578.